The following is an entry in ClinVar:

ClinVar aggregate classification (germline): Pathogenic. Review status: criteria provided, multiple submitters, no conflicts (2 of 4 stars). 2 submissions from 2 submitters: Pathogenic (2). Last evaluated 2024-02-02.

Conditions:
Miyoshi muscular dystrophy 1 (MMD1). Identifiers: Orphanet 45448, MedGen C4551973, MONDO:0024545, OMIM 254130.
Neuromuscular disease caused by qualitative or quantitative defects of dysferlin. Also called: Qualitative or quantitative defects of dysferlin; Dysferlinopathy. Identifiers: Orphanet 207073, MedGen C2931687, MONDO:0016145.

Allele frequency attached by ClinVar (database versions not stated): gnomAD exomes below 0.00001.

Submissions (2):

Labcorp Genetics (formerly Invitae), Labcorp
Classification: Pathogenic for Neuromuscular disease caused by qualitative or quantitative defects of dysferlin. Last evaluated: 2024-02-02. Review status: criteria provided, single submitter. Criteria: Invitae Variant Classification Sherloc (09022015). Collection method: clinical testing. Allele origin: germline.
Comment: This sequence change creates a premature translational stop signal (p.His946Profs*2) in the DYSF gene. It is expected to result in an absent or disrupted protein product. Loss-of-function variants in DYSF are known to be pathogenic (PMID: 17698709, 20301480). This variant is not present in population databases (gnomAD no frequency). This premature translational stop signal has been observed in individual(s) with Miyoshi myopathy (PMID: 19528035). This variant is also known as p.His94ProfsX. For these reasons, this variant has been classified as Pathogenic.

Baylor Genetics
Classification: Pathogenic for Miyoshi muscular dystrophy 1. Last evaluated: 2023-11-04. Review status: criteria provided, single submitter. Criteria: ACMG Guidelines, 2015. Collection method: clinical testing. Allele origin: unknown.

Literature cited by the submitters: PubMed 17698709 (cited by Labcorp Genetics (formerly Invitae), Labcorp); PubMed 20301480 (cited by Labcorp Genetics (formerly Invitae), Labcorp); PubMed 19528035 (cited by Labcorp Genetics (formerly Invitae), Labcorp).

NM_001130987.2(DYSF):c.2891del (p.His964fs)

Gene: DYSF (dysferlin; plus strand). Cytogenetic location: 2p13.2.
Variant type: Deletion.
Coding change: c.2891del on transcript NM_001130987.2 (MANE Select); coding-DNA position 2891, one base deleted (A; older notation c.2891delA).
Protein change: p.His964fs; shifts the reading frame from histidine 964.
Molecular consequence: frameshift variant.
Genome position (GRCh38, 1-based): chr2:71,569,846, A deleted. VCF-style (leftmost placement, unchanged base first): chr2-71569845-CA-C. GRCh37 (hg19) VCF-style: chr2-71796975-CA-C.
Other names: c.2840del, p.His947fs (NM_001130455.2, NM_001130983.2); c.2795del, p.His932fs (NM_001130976.2, NM_001130977.2); c.2837del, p.His946fs (NM_001130978.2, NM_003494.4); c.2930del, p.His977fs (NM_001130979.2); c.2888del, p.His963fs (NM_001130980.2, NM_001130981.2); c.2933del, p.His978fs (NM_001130982.2); c.2798del, p.His933fs (NM_001130984.2, NM_001130986.2); c.2891del, p.His964fs (NM_001130985.2); short protein forms H932fs, H933fs, H946fs, H947fs, H963fs, H964fs, H977fs, H978fs.
Identifiers: ClinVar variation 2674957 (VCV002674957.5), dbSNP rs2545814922, ClinGen allele CA2586969495.
Genomic context (GRCh38, chr2:71,569,845, plus strand): 5'-GAGCAGCAGAGACTCTGACCAGCCCTCCTCCACAGTCTGCTCCATGACATGGACGCCGGT[CA>C]CCTGAGCTTCGTGGAAGAGGTGTTTGAGAACCAGACCCGGCTTCCCGGAGGCCAGTGGAT-3'